The following is an entry in ClinVar:

ClinVar aggregate classification (germline): Benign/Likely benign. Review status: criteria provided, multiple submitters, no conflicts (2 of 4 stars). 2 submissions from 2 submitters: Benign (1); Likely benign (1). Last evaluated 2025-12-16.

Allele frequency attached by ClinVar (database versions not stated): gnomAD 0.00005; ExAC 0.00007; gnomAD exomes 0.00007; TOPMed 0.00008.
gnomAD v4.1: 77 of 1,209,924 alleles (0.0064%); highest among the groups gnomAD compares: Non-Finnish European, 0.008%; no homozygotes.

Submissions (2):

Labcorp Genetics (formerly Invitae), Labcorp
Classification: Benign. Last evaluated: 2025-12-16. Review status: criteria provided, single submitter. Criteria: Invitae Variant Classification Sherloc (09022015). Collection method: clinical testing. Allele origin: germline.

CeGaT Center for Human Genetics Tuebingen
Classification: Likely benign. Last evaluated: 2025-04-01. Review status: criteria provided, single submitter. Criteria: CeGaT Center For Human Genetics Tuebingen Variant Classification Criteria Version 2. Collection method: clinical testing. Allele origin: germline. Affected: yes. Observed: 1 variant allele.
Comment: AMER1: BP4, BP7, BS2

NM_152424.4(AMER1):c.2454G>A (p.Gly818=)

Gene: AMER1 (APC membrane recruitment protein 1; minus strand). Cytogenetic location: Xq11.2.
Variant type: single nucleotide variant.
Coding change: c.2454G>A on transcript NM_152424.4 (MANE Select); coding-DNA position 2454, G replaced by A.
Protein change: p.Gly818=; no amino-acid change (glycine 818 retained).
Molecular consequence: synonymous variant.
Genome position (GRCh38, 1-based): chrX:64,190,833, C>T on the plus strand (G>A on the coding strand, the complement: AMER1 is on the minus strand). VCF-style: chrX-64190833-C-T. GRCh37 (hg19) VCF-style: chrX-63410713-C-T.
Identifiers: ClinVar variation 1991467 (VCV001991467.11), dbSNP rs746615931, ClinGen allele CA10432195.